The following is an entry in ClinVar:

NM_001830.4(CLCN4):c.930C>A (p.Pro310=)

Gene: CLCN4 (Cl-/H+ antiporter 4; plus strand). Cytogenetic location: Xp22.2.
Variant type: single nucleotide variant.
Coding change: c.930C>A on transcript NM_001830.4 (MANE Select); coding-DNA position 930, C replaced by A.
Protein change: p.Pro310=; no amino-acid change (proline 310 retained).
Molecular consequence: synonymous variant.
Genome position (GRCh38, 1-based): chrX:10,208,131, C>A. VCF-style: chrX-10208131-C-A. GRCh37 (hg19) VCF-style: chrX-10176171-C-A.
Other names: c.648C>A, p.Pro216= (NM_001256944.2).
Identifiers: ClinVar variation 1141977 (VCV001141977.31), dbSNP rs1421307675, ClinGen allele CA515228907.

ClinVar aggregate classification (germline): Likely benign. Review status: criteria provided, multiple submitters, no conflicts (2 of 4 stars). 2 submissions from 2 submitters: Likely benign (2). Last evaluated 2024-02-24.

Allele frequency attached by ClinVar (database versions not stated): gnomAD exomes 0.00002.
gnomAD v4.1: 11 of 1,211,849 alleles (0.00091%); highest among the groups gnomAD compares: Middle Eastern, 0.023%; no homozygotes.

Submissions (2):

Labcorp Genetics (formerly Invitae), Labcorp
Classification: Likely benign. Last evaluated: 2024-02-24. Review status: criteria provided, single submitter. Criteria: Invitae Variant Classification Sherloc (09022015). Collection method: clinical testing. Allele origin: germline.

CeGaT Center for Human Genetics Tuebingen
Classification: Likely benign. Last evaluated: 2024-01-01. Review status: criteria provided, single submitter. Criteria: CeGaT Center For Human Genetics Tuebingen Variant Classification Criteria Version 2. Collection method: clinical testing. Allele origin: germline. Affected: yes. Observed: 1 variant allele.
Comment: CLCN4: BP4, BP7